The following is an entry in ClinVar:

ClinVar aggregate classification (germline): Uncertain significance. Review status: criteria provided, multiple submitters, no conflicts (2 of 4 stars). 2 submissions from 2 submitters: Uncertain significance (2). Last evaluated 2023-07-05.

Conditions:
Long QT syndrome (LQTS). Identifiers: MedGen C0023976, MeSH D008133, MONDO:0002442. Disease mechanism: loss of function. Inheritance: Various modes of inheritance.

Submissions (2):

Blueprint Genetics
Classification: Uncertain significance. Last evaluated: 2023-07-05. Review status: criteria provided, single submitter. Criteria: ACMG Guidelines, 2015. Collection method: clinical testing. Allele origin: germline.

Labcorp Genetics (formerly Invitae), Labcorp
Classification: Uncertain significance for Long QT syndrome. Last evaluated: 2022-04-05. Review status: criteria provided, single submitter. Criteria: Invitae Variant Classification Sherloc (09022015). Collection method: clinical testing. Allele origin: germline.
Comment: This variant is not present in population databases (gnomAD no frequency). This sequence change replaces phenylalanine, which is neutral and non-polar, with tyrosine, which is neutral and polar, at codon 14 of the KCNH2 protein (p.Phe14Tyr). This variant has not been reported in the literature in individuals affected with KCNH2-related conditions. In summary, the available evidence is currently insufficient to determine the role of this variant in disease. Therefore, it has been classified as a Variant of Uncertain Significance. Algorithms developed to predict the effect of missense changes on protein structure and function (SIFT, PolyPhen-2, Align-GVGD) all suggest that this variant is likely to be tolerated.

NM_000238.4(KCNH2):c.41T>A (p.Phe14Tyr)

Gene: KCNH2 (potassium voltage-gated channel subfamily H member 2; minus strand). Cytogenetic location: 7q36.1.
Variant type: single nucleotide variant.
Coding change: c.41T>A on transcript NM_000238.4 (MANE Select); coding-DNA position 41, T replaced by A.
Protein change: p.Phe14Tyr; replaces phenylalanine 14 with tyrosine.
Molecular consequence: missense variant.
Genome position (GRCh38, 1-based): chr7:150,977,873, A>T on the plus strand (T>A on the coding strand, the complement: KCNH2 is on the minus strand). VCF-style: chr7-150977873-A-T. GRCh37 (hg19) VCF-style: chr7-150674961-A-T.
Other names: c.41T>A, p.Phe14Tyr (NM_172056.3); short protein forms F14Y.
Identifiers: ClinVar variation 2121777 (VCV002121777.5), dbSNP rs2486167283, ClinGen allele CA369866709.